The following is an entry in ClinVar:

ClinVar aggregate classification (germline): Likely benign. Review status: criteria provided, single submitter (1 of 4 stars). 2 submissions from 2 submitters: Likely benign (1). 1 of the submissions does not count toward it. Last evaluated 2024-03-18.

Conditions:
RYR1-related disorder. Also called: RYR1-related disorders; RYR1-related condition. Identifiers: MedGen CN239331.

Allele frequency attached by ClinVar (database versions not stated): gnomAD 0.00006 and 0.00007; gnomAD exomes 0.00001 and 0.00002; TOPMed 0.00001.
gnomAD v4.1: 17 of 1,598,148 alleles (0.0011%); highest among the groups gnomAD compares: Admixed American, 0.029%; no homozygotes.

Submissions (2):

Labcorp Genetics (formerly Invitae), Labcorp
Classification: Likely benign for RYR1-related disorder. Last evaluated: 2024-03-18. Review status: criteria provided, single submitter. Criteria: Invitae Variant Classification Sherloc (09022015). Collection method: clinical testing. Allele origin: germline.

PreventionGenetics, part of Exact Sciences
Classification: Likely benign for RYR1-related condition. Last evaluated: 2020-10-19. Review status: no assertion criteria provided. Collection method: clinical testing. Allele origin: germline. Not counted in ClinVar's aggregate classification.
Comment: This variant is classified as likely benign based on ACMG/AMP sequence variant interpretation guidelines (Richards et al. 2015 PMID: 25741868, with internal and published modifications).

NM_000540.3(RYR1):c.631+10C>G

Gene: RYR1 (ryanodine receptor 1; plus strand). Cytogenetic location: 19q13.2.
Variant type: single nucleotide variant.
Coding change: c.631+10C>G on transcript NM_000540.3 (MANE Select); 10 bases into the intron after coding-DNA position 631, C replaced by G.
Molecular consequence: intron variant.
Genome position (GRCh38, 1-based): chr19:38,444,687, C>G. VCF-style: chr19-38444687-C-G. GRCh37 (hg19) VCF-style: chr19-38935327-C-G.
Other names: c.631+10C>G (NM_001042723.2).
Identifiers: ClinVar variation 590568 (VCV000590568.51), dbSNP rs1194395006, ClinGen allele CA632870562.